The following is an entry in ClinVar:

ClinVar aggregate classification (germline): Uncertain significance. Review status: criteria provided, multiple submitters, no conflicts (2 of 4 stars). 2 submissions from 2 submitters: Uncertain significance (2). Last evaluated 2022-04-07.

Conditions:
HYPERHOMOCYSTEINEMIA, THROMBOTIC, CBS-RELATED. Identifiers: MedGen C3150344, OMIM 236200.
Familial thoracic aortic aneurysm and aortic dissection (TAAD). Also called: Thoracic aortic aneurysms and dissections. Identifiers: Orphanet 91387, MedGen C4707243, MONDO:0019625.

Allele frequency attached by ClinVar (database versions not stated): ExAC 0.00003; ESP Exome Variant Server 0.00008.

Submissions (2):

Labcorp Genetics (formerly Invitae), Labcorp
Classification: Uncertain significance for HYPERHOMOCYSTEINEMIA, THROMBOTIC, CBS-RELATED. Last evaluated: 2022-04-07. Review status: criteria provided, single submitter. Criteria: Invitae Variant Classification Sherloc (09022015). Collection method: clinical testing. Allele origin: germline.
Comment: This sequence change replaces proline, which is neutral and non-polar, with leucine, which is neutral and non-polar, at codon 475 of the CBS protein (p.Pro475Leu). This variant is present in population databases (rs367711379, gnomAD 0.005%). This variant has not been reported in the literature in individuals affected with CBS-related conditions. Algorithms developed to predict the effect of missense changes on protein structure and function (SIFT, PolyPhen-2, Align-GVGD) all suggest that this variant is likely to be tolerated. In summary, the available evidence is currently insufficient to determine the role of this variant in disease. Therefore, it has been classified as a Variant of Uncertain Significance.

Ambry Genetics
Classification: Uncertain significance for Familial thoracic aortic aneurysm and aortic dissection. Last evaluated: 2022-04-03. Review status: criteria provided, single submitter. Criteria: Ambry Variant Classification Scheme 2023. Collection method: clinical testing. Allele origin: germline.
Comment: The p.P475L variant (also known as c.1424C>T), located in coding exon 13 of the CBS gene, results from a C to T substitution at nucleotide position 1424. The proline at codon 475 is replaced by leucine, an amino acid with similar properties. This amino acid position is conserved. In addition, the in silico prediction for this alteration is inconclusive. Since supporting evidence is limited at this time, the clinical significance of this alteration remains unclear.

NM_000071.3(CBS):c.1424C>T (p.Pro475Leu)

Gene: CBS (cystathionine beta-synthase; minus strand). Cytogenetic location: 21q22.3.
Variant type: single nucleotide variant.
Coding change: c.1424C>T on transcript NM_000071.3 (MANE Select); coding-DNA position 1424, C replaced by T.
Protein change: p.Pro475Leu; replaces proline 475 with leucine.
Molecular consequence: missense variant.
Genome position (GRCh38, 1-based): chr21:43,058,188, G>A on the plus strand (C>T on the coding strand, the complement: CBS is on the minus strand). VCF-style: chr21-43058188-G-A. GRCh37 (hg19) VCF-style: chr21-44478298-G-A.
Other names: c.1424C>T, p.Pro475Leu (NM_001178008.3, NM_001178009.3, NM_001320298.2); c.1109C>T, p.Pro370Leu (NM_001321072.1); short protein forms P370L, P475L.
Identifiers: ClinVar variation 1772331 (VCV001772331.4), dbSNP rs367711379, ClinGen allele CA321687435.